The following is an entry in ClinVar:

NM_015338.6(ASXL1):c.3443G>T (p.Arg1148Leu)

Gene: ASXL1 (ASXL transcriptional regulator 1; plus strand). Cytogenetic location: 20q11.21.
Variant type: single nucleotide variant.
Coding change: c.3443G>T on transcript NM_015338.6 (MANE Select); coding-DNA position 3443, G replaced by T.
Protein change: p.Arg1148Leu; replaces arginine 1148 with leucine.
Molecular consequence: missense variant.
Genome position (GRCh38, 1-based): chr20:32,436,155, G>T. VCF-style: chr20-32436155-G-T. GRCh37 (hg19) VCF-style: chr20-31023958-G-T.
Other names: c.3260G>T, p.Arg1087Leu (NM_001363734.1); short protein forms R1087L, R1148L.
Identifiers: ClinVar variation 3955529 (VCV003955529.1).

ClinVar aggregate classification (germline): Uncertain significance (1 of 4 stars; one submission).

Conditions:
Inborn genetic diseases. Identifiers: MedGen C0950123, MeSH D030342.

gnomAD v4.1: 3 of 1,614,074 alleles (0.00019%); highest among the groups gnomAD compares: African/African-American, 0.004%; no homozygotes.

Submission:

Ambry Genetics
Classification: Uncertain significance for Inborn genetic diseases. Last evaluated: 2025-03-30. Review status: criteria provided, single submitter. Criteria: Ambry Variant Classification Scheme 2023. Collection method: clinical testing. Allele origin: germline.
Comment: The p.R1148L variant (also known as c.3443G>T), located in coding exon 13 of the ASXL1 gene, results from a G to T substitution at nucleotide position 3443. The arginine at codon 1148 is replaced by leucine, an amino acid with dissimilar properties. This amino acid position is conserved. In addition, this alteration is predicted to be tolerated by in silico analysis. Based on the available evidence, the clinical significance of this variant remains unclear.